The following is an entry in ClinVar:

ClinVar aggregate classification (germline): Benign/Likely benign. Review status: criteria provided, multiple submitters, no conflicts (2 of 4 stars). 7 submissions from 6 submitters: Benign (3); Likely benign (4). Last evaluated 2026-02-03.

Conditions:
Hereditary cancer-predisposing syndrome. Also called: Hereditary Cancer Syndrome; Neoplastic Syndromes, Hereditary; Hereditary neoplastic syndrome; Tumor predisposition. Identifiers: Orphanet 140162, MedGen C0027672, MeSH D009386, MONDO:0015356.
Waardenburg syndrome type 2A (WS2A). Also called: WAARDENBURG SYNDROME WITHOUT DYSTOPIA CANTHORUM. Identifiers: Orphanet 3440, MedGen C1860339, MONDO:0008671, OMIM 193510.
Tietz syndrome (TADS). Also called: HYPOPIGMENTATION/DEAFNESS OF TIETZ; TIETZ ALBINISM-DEAFNESS SYNDROME; ALBINISM-DEAFNESS OF TIETZ. Identifiers: Orphanet 42665, MedGen C0391816, MONDO:0007077, OMIM 103500.
Melanoma, cutaneous malignant, susceptibility to, 8. Also called: MELANOMA AND RENAL CELL CARCINOMA, SUSCEPTIBILITY TO; Cutaneous malignant melanoma 8. Identifiers: Orphanet 293822, MedGen C3152204, MONDO:0013759, OMIM 614456.

Allele frequency attached by ClinVar (database versions not stated): gnomAD exomes 0.00004 and 0.00019; gnomAD 0.00009 and 0.00011; TOPMed 0.00020; ExAC 0.00021.
gnomAD v4.1: 74 of 1,612,456 alleles (0.0046%); highest among the groups gnomAD compares: East Asian, 0.056%; no homozygotes.

Submissions (7):

Labcorp Genetics (formerly Invitae), Labcorp
Classification: Benign for Melanoma, cutaneous malignant, susceptibility to, 8; Waardenburg syndrome type 2A; Tietz syndrome. Last evaluated: 2026-02-03. Review status: criteria provided, single submitter. Criteria: Invitae Variant Classification Sherloc (09022015). Collection method: clinical testing. Allele origin: germline.

CeGaT Center for Human Genetics Tuebingen
Classification: Likely benign. Last evaluated: 2026-02-01. Review status: criteria provided, single submitter. Criteria: CeGaT Center For Human Genetics Tuebingen Variant Classification Criteria Version 2. Collection method: clinical testing. Allele origin: germline. Affected: yes. Observed: 1 variant allele.
Comment: MITF: BP4

Ambry Genetics
Classification: Likely benign for Hereditary cancer-predisposing syndrome. Last evaluated: 2024-11-18. Review status: criteria provided, single submitter. Criteria: Ambry Variant Classification Scheme 2023. Collection method: clinical testing. Allele origin: germline.

Blueprint Genetics
Classification: Likely benign. Last evaluated: 2023-09-05. Review status: criteria provided, single submitter. Criteria: ACMG Guidelines, 2015. Collection method: clinical testing. Allele origin: germline.

GeneDx
Classification: Likely benign. Last evaluated: 2021-08-20. Review status: criteria provided, single submitter. Criteria: GeneDx Variant Classification Process June 2021. Collection method: clinical testing. Allele origin: germline. Affected: yes.

Illumina Laboratory Services, Illumina
Classification: Benign for Waardenburg syndrome type 2A. Last evaluated: 2017-04-28. Review status: criteria provided, single submitter. Criteria: ICSL Variant Classification Criteria 13 December 2019. Collection method: clinical testing. Allele origin: germline.
Comment: This variant was observed as part of a predisposition screen in an ostensibly healthy population. A literature search was performed for the gene, cDNA change, and amino acid change (where applicable). No publications were found based on this search. Allele frequency data from public databases was too high to be consistent with this variant causing disease. Therefore, this variant is classified as benign.

Illumina Laboratory Services, Illumina
Classification: Benign for Tietz syndrome. Last evaluated: 2017-04-28. Review status: criteria provided, single submitter. Criteria: ICSL Variant Classification Criteria 13 December 2019. Collection method: clinical testing. Allele origin: germline.
Comment: the same text as in the submission from Illumina Laboratory Services, Illumina above.

NM_001354604.2(MITF):c.882G>A (p.Ala294=)

Gene: MITF (melanocyte inducing transcription factor; plus strand). Cytogenetic location: 3p13.
Variant type: single nucleotide variant.
Coding change: c.882G>A on transcript NM_001354604.2 (MANE Select); coding-DNA position 882, G replaced by A.
Protein change: p.Ala294=; no amino-acid change (alanine 294 retained).
Molecular consequence: synonymous variant. On other transcripts: intron variant (9).
Genome position (GRCh38, 1-based): chr3:69,951,813, G>A. VCF-style: chr3-69951813-G-A. GRCh37 (hg19) VCF-style: chr3-70000964-G-A.
Other names: c.561G>A, p.Ala187= (NM_000248.4); c.879G>A, p.Ala293= (NM_001354605.2); c.830-17G>A (NM_001354607.2); c.725-17G>A (NM_001354608.2, NM_001184967.2); c.881-17G>A (NM_198159.3); c.878-17G>A (NM_001354606.2, NM_006722.3); c.833-17G>A (NM_198177.3); c.560-17G>A (NM_198158.3); and 1 more.
Identifiers: ClinVar variation 735606 (VCV000735606.20), dbSNP rs778126895, ClinGen allele CA2490508.